The following is an entry in ClinVar:

ClinVar aggregate classification (germline): Likely pathogenic (1 of 4 stars; one submission).

Conditions:
2-aminoadipic 2-oxoadipic aciduria (AAKAD). Also called: Aminoadipic aciduria; ALPHA-AMINOADIPIC AND ALPHA-KETOADIPIC ACIDURIA. Identifiers: Orphanet 79154, MedGen C1859817, MONDO:0008774, OMIM 204750.

Submission:

Labcorp Genetics (formerly Invitae), Labcorp
Classification: Likely pathogenic for 2-aminoadipic 2-oxoadipic aciduria. Last evaluated: 2025-06-02. Review status: criteria provided, single submitter. Criteria: Invitae Variant Classification Sherloc (09022015). Collection method: clinical testing. Allele origin: germline.
Comment: This sequence change affects a donor splice site in intron 9 of the DHTKD1 gene. It is expected to disrupt RNA splicing. Variants that disrupt the donor or acceptor splice site typically lead to a loss of protein function (PMID: 16199547), and loss-of-function variants in DHTKD1 are known to be pathogenic (PMID: 23141293, 25860818). This variant is not present in population databases (gnomAD no frequency). This variant has not been reported in the literature in individuals affected with DHTKD1-related conditions. ClinVar contains an entry for this variant (Variation ID: 2843906). Algorithms developed to predict the effect of sequence changes on RNA splicing suggest that this variant may disrupt the consensus splice site. In summary, the currently available evidence indicates that the variant is pathogenic, but additional data are needed to prove that conclusively. Therefore, this variant has been classified as Likely Pathogenic.

Literature cited by the submitters: PubMed 16199547; PubMed 23141293; PubMed 25860818.

NM_018706.7(DHTKD1):c.1756+1G>C

Gene: DHTKD1 (dehydrogenase E1 and transketolase domain containing 1; plus strand). Cytogenetic location: 10p14.
Variant type: single nucleotide variant.
Coding change: c.1756+1G>C on transcript NM_018706.7 (MANE Select); the canonical splice donor site of the intron after coding-DNA position 1756, G replaced by C.
Molecular consequence: splice donor variant.
Genome position (GRCh38, 1-based): chr10:12,100,263, G>C. VCF-style: chr10-12100263-G-C. GRCh37 (hg19) VCF-style: chr10-12142262-G-C.
Identifiers: ClinVar variation 2843906 (VCV002843906.3), dbSNP rs2491494919, ClinGen allele CA376021989.